The following is an entry in ClinVar:

ClinVar aggregate classification (germline): Uncertain significance (1 of 4 stars; one submission).

Submission:

Labcorp Genetics (formerly Invitae), Labcorp
Classification: Uncertain significance. Last evaluated: 2026-01-05. Review status: criteria provided, single submitter. Criteria: Invitae Variant Classification Sherloc (09022015). Collection method: clinical testing. Allele origin: germline.
Comment: This variant, c.4836_4841dup, results in the insertion of 2 amino acid(s) of the TOP2B protein (p.Glu1612_Asp1613dup), but otherwise preserves the integrity of the reading frame. This variant is present in population databases (rs747548613, gnomAD 0.009%). This variant has not been reported in the literature in individuals affected with TOP2B-related conditions. ClinVar contains an entry for this variant (Variation ID: 1349417). Experimental studies and prediction algorithms are not available or were not evaluated, and the functional significance of this variant is currently unknown. In summary, the available evidence is currently insufficient to determine the role of this variant in disease. Therefore, it has been classified as a Variant of Uncertain Significance.

NM_001330700.2(TOP2B):c.4851_4856dup (p.Glu1617_Asp1618dup)

Gene: TOP2B (DNA topoisomerase II beta; minus strand). Cytogenetic location: 3p24.2.
Variant type: Duplication.
Coding change: c.4851_4856dup on transcript NM_001330700.2 (MANE Select); coding-DNA positions 4851 to 4856, 6 bases duplicated (AGATGA; older notation c.4851_4856dupAGATGA).
Protein change: p.Glu1617_Asp1618dup.
Molecular consequence: inframe insertion.
Genome position (GRCh38, 1-based): chr3:25,598,332-25,598,337, TCATCT duplicated on the plus strand (AGATGA on the coding strand, the reverse complement: TOP2B is on the minus strand); duplicating any 6 consecutive bases within chr3:25,598,332-25,598,339 gives the same sequence; the c. name uses the placement nearest the transcript's 3' end. VCF-style (leftmost placement, unchanged base first): chr3-25598331-A-ATCATCT. GRCh37 (hg19) VCF-style: chr3-25639822-A-ATCATCT.
Other names: c.4836_4841dup, p.Glu1612_Asp1613dup (NM_001068.3).
Identifiers: ClinVar variation 1349417 (VCV001349417.8), dbSNP rs747548613, ClinGen allele CA2287951.